The following is an entry in ClinVar:

NM_001035.3(RYR2):c.4294A>C (p.Ile1432Leu)

Gene: RYR2 (ryanodine receptor 2; plus strand). Cytogenetic location: 1q43.
Variant type: single nucleotide variant.
Coding change: c.4294A>C on transcript NM_001035.3 (MANE Select); coding-DNA position 4294, A replaced by C.
Protein change: p.Ile1432Leu; replaces isoleucine 1432 with leucine.
Molecular consequence: missense variant.
Genome position (GRCh38, 1-based): chr1:237,593,494, A>C. VCF-style: chr1-237593494-A-C. GRCh37 (hg19) VCF-style: chr1-237756794-A-C.
Other names: short protein forms I1432L.
Identifiers: ClinVar variation 837960 (VCV000837960.19), dbSNP rs769163639, ClinGen allele CA086595.

ClinVar aggregate classification (germline): Conflicting classifications of pathogenicity. Review status: criteria provided, conflicting classifications (1 of 4 stars). 6 submissions from 6 submitters: Uncertain significance (5); Likely benign (1). Last evaluated 2026-01-25.

Conditions:
Catecholaminergic polymorphic ventricular tachycardia 1. Also called: VENTRICULAR TACHYCARDIA, CATECHOLAMINERGIC POLYMORPHIC, 1, WITH OR WITHOUT ATRIAL DYSFUNCTION AND/OR DILATED CARDIOMYOPATHY; RYR2-Related Catecholaminergic Polymorphic Ventricular Tachycardia; VENTRICULAR TACHYCARDIA, STRESS-INDUCED POLYMORPHIC 1. Identifiers: Orphanet 3286, MedGen C1631597, MONDO:0011484, OMIM 604772.
Arrhythmogenic right ventricular dysplasia 2. Identifiers: MedGen C1832931.
Ventricular arrhythmias due to cardiac ryanodine receptor calcium release deficiency syndrome. Also called: Autosomal dominant cardiac arrhythmia (Kuhn). Identifiers: MedGen C5542154, MONDO:0020745, OMIM 115000.
Cardiovascular phenotype. Identifiers: MedGen CN230736.
Catecholaminergic polymorphic ventricular tachycardia (CVPT). Also called: Catecholamine-induced polymorphic ventricular tachycardia. Identifiers: Orphanet 3286, MedGen C5574922, MONDO:0017990.
Cardiomyopathy (CMYO). Also called: Cardiomyopathies. Identifiers: Orphanet 167848, MedGen C0878544, MONDO:0004994, HP:0001638. Inheritance: Various modes of inheritance.

Allele frequency attached by ClinVar (database versions not stated): ExAC 0.00001; gnomAD 0.00001; TOPMed 0.00005.
gnomAD v4.1: 212 of 1,613,094 alleles (0.013%); highest among the groups gnomAD compares: Non-Finnish European, 0.017%; no homozygotes.

Submissions (6):

Labcorp Genetics (formerly Invitae), Labcorp
Classification: Likely benign for Catecholaminergic polymorphic ventricular tachycardia 1. Last evaluated: 2026-01-25. Review status: criteria provided, single submitter. Criteria: Invitae Variant Classification Sherloc (09022015). Collection method: clinical testing. Allele origin: germline.

All of Us Research Program, National Institutes of Health
Classification: Uncertain significance for Catecholaminergic polymorphic ventricular tachycardia. Last evaluated: 2024-07-20. Review status: criteria provided, single submitter. Criteria: ACMG Guidelines, 2015. Collection method: clinical testing. Allele origin: germline. Inheritance: Autosomal dominant inheritance. Observed: 10 variant alleles, 10 heterozygotes.
Comment: This missense variant replaces isoleucine with leucine at codon 1432 of the RYR2 protein. Computational prediction suggests that this variant may not impact protein structure and function (internally defined REVEL score threshold <= 0.5, PMID: 27666373). To our knowledge, functional studies have not been reported for this variant. This variant has been reported in an individual from a cohort of clinical whole-exome genetic test referrals (PMID: 28404607). This variant has been identified in 4/247880 chromosomes in the general population by the Genome Aggregation Database (gnomAD). The available evidence is insufficient to determine the role of this variant in disease conclusively. Therefore, this variant is classified as a Variant of Uncertain Significance.

This study involves interpretation of variants in research participants for the purpose of population health screening. Participant phenotype was not available at the time of variant classification. Additional details can be found in publication PMID: 35346344, PMCID: PMC8962531

GeneDx
Classification: Uncertain significance. Last evaluated: 2024-07-15. Review status: criteria provided, single submitter. Criteria: GeneDx Variant Classification Process June 2021. Collection method: clinical testing. Allele origin: germline. Affected: yes.
Comment: Not observed at significant frequency in large population cohorts (gnomAD); In silico analysis indicates that this missense variant does not alter protein structure/function; Has not been previously published as pathogenic or benign in association with an RYR2-related disorder to our knowledge; Not located in one of the three hot-spot regions of the RYR2 gene, where the majority of pathogenic missense variants occur (PMID: 19926015); This variant is associated with the following publications: (PMID: 28404607, 19926015)

Color Diagnostics, LLC DBA Color Health
Classification: Uncertain significance for Cardiomyopathy. Last evaluated: 2024-06-27. Review status: criteria provided, single submitter. Criteria: ACMG Guidelines, 2015. Collection method: clinical testing. Allele origin: germline.
Comment: This missense variant replaces isoleucine with leucine at codon 1432 of the RYR2 protein. Computational prediction suggests that this variant may not impact protein structure and function (internally defined REVEL score threshold <= 0.5, PMID: 27666373). To our knowledge, functional studies have not been reported for this variant. This variant has been reported in an individual from a cohort of clinical whole-exome genetic test referrals (PMID: 28404607). This variant has been identified in 4/247880 chromosomes in the general population by the Genome Aggregation Database (gnomAD). The available evidence is insufficient to determine the role of this variant in disease conclusively. Therefore, this variant is classified as a Variant of Uncertain Significance.

Ambry Genetics
Classification: Uncertain significance for Cardiovascular phenotype. Last evaluated: 2023-06-15. Review status: criteria provided, single submitter. Criteria: Ambry Variant Classification Scheme 2023. Collection method: clinical testing. Allele origin: germline.
Comment: The p.I1432L variant (also known as c.4294A>C), located in coding exon 33 of the RYR2 gene, results from an A to C substitution at nucleotide position 4294. The isoleucine at codon 1432 is replaced by leucine, an amino acid with highly similar properties. This variant has been detected in an exome cohort; however, details were limited (Landstrom AP et al. Circ Arrhythm Electrophysiol, 2017 Apr;10). This amino acid position is well conserved in available vertebrate species. In addition, this alteration is predicted to be tolerated by in silico analysis. Since supporting evidence is limited at this time, the clinical significance of this alteration remains unclear.

Fulgent Genetics
Classification: Uncertain significance for Ventricular arrhythmias due to cardiac ryanodine receptor calcium release deficiency syndrome; Catecholaminergic polymorphic ventricular tachycardia 1. Last evaluated: 2021-10-14. Review status: criteria provided, single submitter. Criteria: ACMG Guidelines, 2015. Collection method: clinical testing. Allele origin: unknown.

Literature cited by the submitters: PubMed 28404607 (cited by 3 submitters).